The following is an entry in ClinVar:

ClinVar aggregate classification (germline): Uncertain significance. Review status: criteria provided, multiple submitters, no conflicts (2 of 4 stars). 2 submissions from 2 submitters: Uncertain significance (2). Last evaluated 2025-05-28.

Submissions (2):

Labcorp Genetics (formerly Invitae), Labcorp
Classification: Uncertain significance. Last evaluated: 2025-05-28. Review status: criteria provided, single submitter. Criteria: Invitae Variant Classification Sherloc (09022015). Collection method: clinical testing. Allele origin: germline.
Comment: This sequence change replaces glutamine, which is neutral and polar, with arginine, which is basic and polar, at codon 226 of the SUCO protein (p.Gln226Arg). This variant is present in population databases (rs149182639, gnomAD 0.02%). This variant has not been reported in the literature in individuals affected with SUCO-related conditions. ClinVar contains an entry for this variant (Variation ID: 3675272). An algorithm developed to predict the effect of missense changes on protein structure and function (PolyPhen-2) suggests that this variant is likely to be tolerated. In summary, the available evidence is currently insufficient to determine the role of this variant in disease. Therefore, it has been classified as a Variant of Uncertain Significance.

Ambry Genetics
Classification: Uncertain significance. Last evaluated: 2025-04-11. Review status: criteria provided, single submitter. Criteria: Ambry Variant Classification Scheme 2023. Collection method: clinical testing. Allele origin: germline.

NM_014283.5(SUCO):c.677A>G (p.Gln226Arg)

Gene: SUCO (SUN domain containing ossification factor; plus strand). Cytogenetic location: 1q24.3.
Variant type: single nucleotide variant.
Coding change: c.677A>G on transcript NM_014283.5 (MANE Select); coding-DNA position 677, A replaced by G.
Protein change: p.Gln226Arg; replaces glutamine 226 with arginine.
Molecular consequence: missense variant. On other transcripts: 5 prime UTR variant (1).
Genome position (GRCh38, 1-based): chr1:172,557,739, A>G. VCF-style: chr1-172557739-A-G. GRCh37 (hg19) VCF-style: chr1-172526879-A-G.
Other names: c.566A>G, p.Gln189Arg (NM_001282750.2); c.-853A>G (NM_001282751.2); c.1151A>G, p.Gln384Arg (NM_016227.4); c.677A>G (NM_014283.3); short protein forms Q189R, Q384R, Q226R.
Identifiers: ClinVar variation 3675272 (VCV003675272.3).
Genomic context (GRCh38, chr1:172,557,739, plus strand): 5'-CACATGGTAAAGGAAAGATAACAAAATCAGAATTTGAATCAAAAGTTTCAGCAAGTGAAC[A>G]GGGCGGTGGTGATCCAAAATCTGCATTGAATGCTTCAGATAATTTAAAAAATGAGGTAGG-3'
Protein context (NP_055098.1, residues 216-236): EFESKVSASE[Gln226Arg]GGGDPKSALN